The following is an entry in ClinVar:

ClinVar aggregate classification (germline): Conflicting classifications of pathogenicity. Review status: criteria provided, conflicting classifications (1 of 4 stars). 2 submissions from 2 submitters: Uncertain significance (1); Likely benign (1). Last evaluated 2023-03-23.

Conditions:
Hereditary cancer-predisposing syndrome. Also called: Neoplastic Syndromes, Hereditary; Tumor predisposition; Hereditary neoplastic syndrome; Hereditary Cancer Syndrome. Identifiers: Orphanet 140162, MedGen C0027672, MeSH D009386, MONDO:0015356.

Submissions (2):

University of Washington Department of Laboratory Medicine, University of Washington
Classification: Likely benign for Hereditary cancer-predisposing syndrome. Last evaluated: 2023-03-23. Review status: criteria provided, single submitter. Criteria: Dines et al. (Genet Med. 2020). Collection method: curation. Allele origin: germline.
Comment: Missense variant in a coldspot region where missense variants are very unlikely to be pathogenic (PMID:31911673).

BRCA2 exon 11 coldspot. Reclassification based on statistical prior probability.

Ambry Genetics
Classification: Uncertain significance for Hereditary cancer-predisposing syndrome. Last evaluated: 2019-03-16. Review status: criteria provided, single submitter. Criteria: Ambry Variant Classification Scheme 2023. Collection method: clinical testing. Allele origin: germline.
Comment: The c.5545_5546delGGinsAA variant, located in coding exon 10 of the BRCA2 gene, results from an in-frame deletion of GG and insertion of AA at nucleotide positions 5545 to 5546. This results in the substitution of the glycine residue for an asparagine residue at codon 1849, an amino acid with similar properties. This amino acid position is well conserved in available vertebrate species. Since supporting evidence is limited at this time, the clinical significance of this alteration remains unclear.

NM_000059.4(BRCA2):c.5545_5546delinsAA (p.Gly1849Asn)

Gene: BRCA2 (BRCA2 DNA repair associated; plus strand). Cytogenetic location: 13q13.1.
Variant type: Indel.
Coding change: c.5545_5546delinsAA on transcript NM_000059.4 (MANE Select); coding-DNA positions 5545 to 5546, GG replaced by AA.
Protein change: p.Gly1849Asn; replaces glycine 1849 with asparagine.
Molecular consequence: missense variant.
Genome position (GRCh38, 1-based): chr13:32,339,900-32,339,901, GG replaced by AA. VCF-style: chr13-32339900-GG-AA. GRCh37 (hg19) VCF-style: chr13-32914037-GG-AA.
Other names: short protein forms G1849N.
Identifiers: ClinVar variation 825821 (VCV000825821.6), dbSNP rs1593905736, ClinGen allele CA915948493.